The following is an entry in ClinVar:

ClinVar aggregate classification (germline): Likely benign (1 of 4 stars; one submission).

Allele frequency attached by ClinVar (database versions not stated): 1000 Genomes Project 30x 0.00125; 1000 Genomes Project 0.00140; TOPMed 0.00503; gnomAD 0.00569 and 0.00599; gnomAD exomes 0.00663.
gnomAD v4.1: 7,684 of 1,186,280 alleles (0.65%); highest among the groups gnomAD compares: Non-Finnish European, 0.77%; 37 homozygotes.

Submission:

GeneDx
Classification: Likely benign. Last evaluated: 2018-06-19. Review status: criteria provided, single submitter. Criteria: GeneDx Variant Classification (06012015). Collection method: clinical testing. Allele origin: germline. Affected: yes.
Comment: This variant is considered likely benign or benign based on one or more of the following criteria: it is a conservative change, it occurs at a poorly conserved position in the protein, it is predicted to be benign by multiple in silico algorithms, and/or has population frequency not consistent with disease.

NM_000093.5(COL5A1):c.2898+114C>T

Gene: COL5A1 (collagen type V alpha 1 chain; plus strand). Cytogenetic location: 9q34.3.
Variant type: single nucleotide variant.
Coding change: c.2898+114C>T on transcript NM_000093.5 (MANE Select); 114 bases into the intron after coding-DNA position 2898, C replaced by T.
Molecular consequence: intron variant.
Genome position (GRCh38, 1-based): chr9:134,797,015, C>T. VCF-style: chr9-134797015-C-T. GRCh37 (hg19) VCF-style: chr9-137688861-C-T.
Other names: c.2898+114C>T (NM_001278074.1).
Identifiers: ClinVar variation 671002 (VCV000671002.1), dbSNP rs139330287, ClinGen allele CA201109202.